The following is an entry in ClinVar:

ClinVar aggregate classification (germline): Uncertain significance. Review status: criteria provided, multiple submitters, no conflicts (2 of 4 stars). 2 submissions from 2 submitters: Uncertain significance (2). Last evaluated 2024-10-17.

Conditions:
GLI2-related disorder. Also called: GLI2-related disorders; GLI2-related condition.

Allele frequency attached by ClinVar (database versions not stated): gnomAD 0.00001; gnomAD exomes 0.00001; TOPMed 0.00001.
gnomAD v4.1: 6 of 1,613,676 alleles (0.00037%); highest among the groups gnomAD compares: Admixed American, 0.0033%; no homozygotes.

Submissions (2):

Women's Health and Genetics/Laboratory Corporation of America, LabCorp
Classification: Uncertain significance. Last evaluated: 2024-10-17. Review status: criteria provided, single submitter. Criteria: LabCorp Variant Classification Summary - May 2015. Collection method: clinical testing. Allele origin: germline.
Comment: Variant summary: GLI2 c.4645A>T (p.Asn1549Tyr) results in a non-conservative amino acid change in the encoded protein sequence. Four of five in-silico tools predict a damaging effect of the variant on protein function. The variant allele was found at a frequency of 8e-06 in 251388 control chromosomes. The available data on variant occurrences in the general population are insufficient to allow any conclusion about variant significance. To our knowledge, no occurrence of c.4645A>T in individuals affected with GLI2-Related Disorders and no experimental evidence demonstrating its impact on protein function have been reported. ClinVar contains an entry for this variant (Variation ID: 2636676). Based on the evidence outlined above, the variant was classified as uncertain significance.

PreventionGenetics, part of Exact Sciences
Classification: Uncertain significance for GLI2-related condition. Last evaluated: 2023-06-26. Review status: criteria provided, single submitter. Criteria: ACMG Guidelines, 2015. Collection method: clinical testing. Allele origin: germline.
Comment: The GLI2 c.4645A>T variant is predicted to result in the amino acid substitution p.Asn1549Tyr. To our knowledge, this variant has not been reported in the literature. This variant is reported in 0.0029% of alleles in individuals of Latino descent in gnomAD. At this time, the clinical significance of this variant is uncertain due to the absence of conclusive functional and genetic evidence.

NM_001374353.1(GLI2):c.4594A>T (p.Asn1532Tyr)

Gene: GLI2 (GLI family zinc finger 2; plus strand). Cytogenetic location: 2q14.2.
Variant type: single nucleotide variant.
Coding change: c.4594A>T on transcript NM_001374353.1 (MANE Select); coding-DNA position 4594, A replaced by T.
Protein change: p.Asn1532Tyr; replaces asparagine 1532 with tyrosine.
Molecular consequence: missense variant.
Genome position (GRCh38, 1-based): chr2:120,990,559, A>T. VCF-style: chr2-120990559-A-T. GRCh37 (hg19) VCF-style: chr2-121748135-A-T.
Other names: c.4645A>T, p.Asn1549Tyr (NM_001371271.1, NM_005270.5); c.4219A>T, p.Asn1407Tyr (NM_001374354.1); short protein forms N1407Y, N1532Y, N1549Y.
Identifiers: ClinVar variation 2636676 (VCV002636676.2), dbSNP rs1462271727, ClinGen allele CA348180163.